The following is an entry in ClinVar:

NM_003289.4(TPM2):c.773-4_773-3insA

Gene: TPM2 (tropomyosin 2; minus strand). Cytogenetic location: 9p13.3.
Variant type: Insertion.
Coding change: c.773-4_773-3insA on transcript NM_003289.4 (MANE Select); 4 bases into the intron before coding-DNA position 773 through 3 bases into the intron before coding-DNA position 773, A inserted.
Molecular consequence: intron variant.
Genome position: GRCh38 VCF-style: chr9-35683244-G-GT. GRCh37 (hg19) VCF-style: chr9-35683241-G-GT.
Other names: c.772+1001_772+1002insA (NM_213674.1, NM_001301226.2); c.773-4_773-3insA (NM_001301227.2).
Identifiers: ClinVar variation 366769 (VCV000366769.15), dbSNP rs1554658501, ClinGen allele CA5047147.

ClinVar aggregate classification (germline): Benign. Review status: criteria provided, multiple submitters, no conflicts (2 of 4 stars). 3 submissions from 3 submitters: Benign (3). Last evaluated 2026-02-02.

Conditions:
Arthrogryposis, distal, type 1A. Also called: ARTHROGRYPOSIS MULTIPLEX CONGENITA, DISTAL, TYPE I. Identifiers: Orphanet 1146, MedGen C6022280, MONDO:0007157, OMIM 108120.

Allele frequency attached by ClinVar (database versions not stated): gnomAD exomes 0.00443; ESP Exome Variant Server 0.00815; ExAC 0.00889; TOPMed 0.00991; 1000 Genomes Project 0.01098; gnomAD 0.01970 and 0.02101.

Submissions (3):

Labcorp Genetics (formerly Invitae), Labcorp
Classification: Benign for Arthrogryposis, distal, type 1A. Last evaluated: 2026-02-02. Review status: criteria provided, single submitter. Criteria: Invitae Variant Classification Sherloc (09022015). Collection method: clinical testing. Allele origin: germline.

Athena Diagnostics
Classification: Benign. Last evaluated: 2017-06-07. Review status: criteria provided, single submitter. Criteria: Athena Diagnostics Criteria. Collection method: clinical testing. Allele origin: germline.

GeneDx
Classification: Benign. Last evaluated: 2016-03-25. Review status: criteria provided, single submitter. Criteria: GeneDx Variant Classification (06012015). Collection method: clinical testing. Allele origin: germline. Affected: yes.
Comment: This variant is considered likely benign or benign based on one or more of the following criteria: it is a conservative change, it occurs at a poorly conserved position in the protein, it is predicted to be benign by multiple in silico algorithms, and/or has population frequency not consistent with disease.